The following is an entry in ClinVar:

ClinVar aggregate classification (germline): Uncertain significance (1 of 4 stars; one submission).

gnomAD v4.1: 9 of 1,600,066 alleles (0.00056%); highest among the groups gnomAD compares: Non-Finnish European, 0.00077%; no homozygotes.

Submission:

Labcorp Genetics (formerly Invitae), Labcorp
Classification: Uncertain significance. Last evaluated: 2022-10-24. Review status: criteria provided, single submitter. Criteria: Invitae Variant Classification Sherloc (09022015). Collection method: clinical testing. Allele origin: germline.
Comment: This sequence change falls in intron 20 of the KIF11 gene. It does not directly change the encoded amino acid sequence of the KIF11 protein. It affects a nucleotide within the consensus splice site. This variant is present in population databases (rs775858823, gnomAD 0.004%). In summary, the available evidence is currently insufficient to determine the role of this variant in disease. Therefore, it has been classified as a Variant of Uncertain Significance. Variants that disrupt the consensus splice site are a relatively common cause of aberrant splicing (PMID: 17576681, 9536098). Algorithms developed to predict the effect of sequence changes on RNA splicing suggest that this variant may create or strengthen a splice site. This variant has not been reported in the literature in individuals affected with KIF11-related conditions.

Literature cited by the submitters: PubMed 17576681; PubMed 9536098.

NM_004523.4(KIF11):c.2922+4A>T

Gene: KIF11 (kinesin family member 11; plus strand). Cytogenetic location: 10q23.33.
Variant type: single nucleotide variant.
Coding change: c.2922+4A>T on transcript NM_004523.4 (MANE Select); 4 bases into the intron after coding-DNA position 2922, A replaced by T.
Molecular consequence: intron variant.
Genome position (GRCh38, 1-based): chr10:92,649,990, A>T. VCF-style: chr10-92649990-A-T. GRCh37 (hg19) VCF-style: chr10-94409747-A-T.
Identifiers: ClinVar variation 2066484 (VCV002066484.4), dbSNP rs775858823, ClinGen allele CA5604494.